The following is an entry in ClinVar:

ClinVar aggregate classification (germline): Uncertain significance (1 of 4 stars; one submission).

Conditions:
Intellectual developmental disorder, autosomal dominant 52. Also called: Intellectual disability, autosomal dominant 52; Mental retardation, autosomal dominant 52. Identifiers: MedGen C4540478, MONDO:0030918, OMIM 617796.

gnomAD v4.1: 4 of 1,614,098 alleles (0.00025%); highest among the groups gnomAD compares: South Asian, 0.0022%; no homozygotes.

Submission:

Clinical Genomic Analysis (GENYSIS) Core, University of North Carolina at Chapel Hill
Classification: Uncertain significance for Intellectual developmental disorder, autosomal dominant 52. Last evaluated: 2025-10-01. Review status: criteria provided, single submitter. Criteria: ACMG Guidelines, 2015. Collection method: research. Allele origin: paternal. Observed: 1 heterozygote. Study: UNC Genetic Determinants of Neurological and Developmental Disorders (GDNDD) Study.
Comment: ASH1L c.6641G>A, p.(Arg2214Gln), is a missense variant predicted to alter a single conserved amino acid from an arginine to a glutamine. This is a rare variant present at an allele frequency of 0.0002% (4/1614098 alleles) in the gnomADv4.1 population database and has not been reported in the literature or ClinVar database. The ASH1L gene is constrained against missense variants and multiple in silico models predict that the c.6641G>A variant has a damaging effect on the protein. However, this information is not sufficient to prove pathogenicity. Given the available evidence, this variant is classified as a variant of uncertain significance.

NM_018489.3(ASH1L):c.6641G>A (p.Arg2214Gln)

Gene: ASH1L (ASH1 like histone lysine methyltransferase; minus strand). Cytogenetic location: 1q22.
Variant type: single nucleotide variant.
Coding change: c.6641G>A on transcript NM_018489.3 (MANE Select); coding-DNA position 6641, G replaced by A.
Protein change: p.Arg2214Gln; replaces arginine 2214 with glutamine.
Molecular consequence: missense variant.
Genome position (GRCh38, 1-based): chr1:155,370,549, C>T on the plus strand (G>A on the coding strand, the complement: ASH1L is on the minus strand). VCF-style: chr1-155370549-C-T. GRCh37 (hg19) VCF-style: chr1-155340340-C-T.
Other names: c.6656G>A, p.Arg2219Gln (NM_001366177.2); short protein forms R2214Q, R2219Q.
Identifiers: ClinVar variation 4294318 (VCV004294318.1).
Genomic context (GRCh38, chr1:155,370,549, plus strand): 5'-CTTTTGCTTCCTTACCATTTCTGCATTTCACAATTTGGGTCACAGCTATGGTTGATGAAT[C>T]GGGCCTCATTTCCCATGCGGTAACTGTCAATCACCATCCCACTATCCAGGTTCAGGCAGT-3'
Protein context (NP_060959.2, residues 2204-2224): IDSYRMGNEA[Arg2214Gln]FINHSCDPNC